The following is an entry in ClinVar:

ClinVar aggregate classification (germline): Uncertain significance (1 of 4 stars; one submission).

Conditions:
Melanoma, cutaneous malignant, susceptibility to, 8. Also called: MELANOMA AND RENAL CELL CARCINOMA, SUSCEPTIBILITY TO; Cutaneous malignant melanoma 8. Identifiers: Orphanet 293822, MedGen C3152204, MONDO:0013759, OMIM 614456.
Tietz syndrome (TADS). Also called: ALBINISM-DEAFNESS OF TIETZ; HYPOPIGMENTATION/DEAFNESS OF TIETZ; TIETZ ALBINISM-DEAFNESS SYNDROME. Identifiers: Orphanet 42665, MedGen C0391816, MONDO:0007077, OMIM 103500.
Waardenburg syndrome type 2A (WS2A). Also called: WAARDENBURG SYNDROME WITHOUT DYSTOPIA CANTHORUM. Identifiers: Orphanet 3440, MedGen C1860339, MONDO:0008671, OMIM 193510.

gnomAD v4.1: 2 of 1,613,548 alleles (0.00012%); highest among the groups gnomAD compares: Non-Finnish European, 0.000085%; no homozygotes.

Submission:

Labcorp Genetics (formerly Invitae), Labcorp
Classification: Uncertain significance for Melanoma, cutaneous malignant, susceptibility to, 8; Waardenburg syndrome type 2A; Tietz syndrome. Last evaluated: 2024-10-27. Review status: criteria provided, single submitter. Criteria: Invitae Variant Classification Sherloc (09022015). Collection method: clinical testing. Allele origin: germline.
Comment: This sequence change replaces alanine, which is neutral and non-polar, with threonine, which is neutral and polar, at codon 198 of the MITF protein (p.Ala198Thr). This variant is present in population databases (no rsID available, gnomAD 0.004%). This variant has not been reported in the literature in individuals affected with MITF-related conditions. Invitae Evidence Modeling of protein sequence and biophysical properties (such as structural, functional, and spatial information, amino acid conservation, physicochemical variation, residue mobility, and thermodynamic stability) indicates that this missense variant is not expected to disrupt MITF protein function with a negative predictive value of 80%. In summary, the available evidence is currently insufficient to determine the role of this variant in disease. Therefore, it has been classified as a Variant of Uncertain Significance.

NM_001354604.2(MITF):c.913G>A (p.Ala305Thr)

Gene: MITF (melanocyte inducing transcription factor; plus strand). Cytogenetic location: 3p13.
Variant type: single nucleotide variant.
Coding change: c.913G>A on transcript NM_001354604.2 (MANE Select); coding-DNA position 913, G replaced by A.
Protein change: p.Ala305Thr; replaces alanine 305 with threonine.
Molecular consequence: missense variant.
Genome position (GRCh38, 1-based): chr3:69,951,844, G>A. VCF-style: chr3-69951844-G-A. GRCh37 (hg19) VCF-style: chr3-70000995-G-A.
Other names: c.592G>A, p.Ala198Thr (NM_000248.4); c.739G>A, p.Ala247Thr (NM_001184967.2, NM_001354608.2); c.910G>A, p.Ala304Thr (NM_001354605.2); c.892G>A, p.Ala298Thr (NM_001354606.2, NM_006722.3); c.844G>A, p.Ala282Thr (NM_001354607.2); c.574G>A, p.Ala192Thr (NM_198158.3); c.895G>A, p.Ala299Thr (NM_198159.3); c.847G>A, p.Ala283Thr (NM_198177.3); and 1 more; short protein forms A136T, A192T, A198T, A247T, A282T, A283T, A298T, A299T.
Identifiers: ClinVar variation 3758377 (VCV003758377.2).